The following is an entry in ClinVar:

ClinVar aggregate classification (germline): Uncertain significance (1 of 4 stars; one submission).

Conditions:
Asphyxiating thoracic dystrophy 5 (SRTD5). Also called: SHORT-RIB THORACIC DYSPLASIA 5 WITH OR WITHOUT POLYDACTYLY; SHORT-RIB THORACIC DYSPLASIA 5 WITHOUT POLYDACTYLY. Identifiers: Orphanet 474, MedGen C3280598, MONDO:0013717, OMIM 614376.
Senior-Loken syndrome 8 (SLSN8). Identifiers: Orphanet 3156, MedGen C4225376, MONDO:0014579, OMIM 616307.

Submission:

Labcorp Genetics (formerly Invitae), Labcorp
Classification: Uncertain significance for Senior-Loken syndrome 8; Asphyxiating thoracic dystrophy 5. Last evaluated: 2022-06-28. Review status: criteria provided, single submitter. Criteria: Invitae Variant Classification Sherloc (09022015). Collection method: clinical testing. Allele origin: germline.
Comment: In summary, the available evidence is currently insufficient to determine the role of this variant in disease. Therefore, it has been classified as a Variant of Uncertain Significance. Advanced modeling of protein sequence and biophysical properties (such as structural, functional, and spatial information, amino acid conservation, physicochemical variation, residue mobility, and thermodynamic stability) performed at Invitae indicates that this missense variant is expected to disrupt WDR19 protein function. This variant has not been reported in the literature in individuals affected with WDR19-related conditions. This variant is not present in population databases (gnomAD no frequency). This sequence change replaces arginine, which is basic and polar, with proline, which is neutral and non-polar, at codon 244 of the WDR19 protein (p.Arg244Pro).

NM_025132.4(WDR19):c.731G>C (p.Arg244Pro)

Gene: WDR19 (WD repeat domain 19; plus strand). Cytogenetic location: 4p14.
Variant type: single nucleotide variant.
Coding change: c.731G>C on transcript NM_025132.4 (MANE Select); coding-DNA position 731, G replaced by C.
Protein change: p.Arg244Pro; replaces arginine 244 with proline.
Molecular consequence: missense variant.
Genome position (GRCh38, 1-based): chr4:39,205,577, G>C. VCF-style: chr4-39205577-G-C. GRCh37 (hg19) VCF-style: chr4-39207197-G-C.
Other names: c.251G>C, p.Arg84Pro (NM_001317924.2); short protein forms R244P, R84P.
Identifiers: ClinVar variation 2011941 (VCV002011941.4), dbSNP rs527709762, ClinGen allele CA356634247.